The following is an entry in ClinVar:

NM_001042750.2(STAG2):c.2580_2582del (p.Arg862del)

Gene: STAG2 (STAG2 cohesin complex component; plus strand). Cytogenetic location: Xq25.
Variant type: Deletion.
Coding change: c.2580_2582del on transcript NM_001042750.2 (MANE Select); coding-DNA positions 2580 to 2582, 3 bases deleted (GAG; older notation c.2580_2582delGAG).
Protein change: p.Arg862del; deletes arginine 862.
Molecular consequence: inframe deletion.
Genome position (GRCh38, 1-based): chrX:124,076,378-124,076,380, GAG deleted. VCF-style (leftmost placement, unchanged base first): chrX-124076377-AGAG-A. GRCh37 (hg19) VCF-style: chrX-123210227-AGAG-A.
Other names: c.2580_2582del, p.Arg862del (NM_001042749.2, NM_001042751.2, NM_001282418.2 and 13 more transcripts); short protein forms R862del.
Identifiers: ClinVar variation 3062122 (VCV003062122.1), dbSNP rs2522159498, ClinGen allele CA2740092272.

ClinVar aggregate classification (germline): Uncertain significance (1 of 4 stars; one submission).

Conditions:
Mullegama-Klein-Martinez syndrome. Also called: NEURODEVELOPMENTAL DISORDER, X-LINKED, WITH CRANIOFACIAL ABNORMALITIES. Identifiers: MedGen C5193008, MONDO:0026722, OMIM 301022.

Submission:

Illumina Laboratory Services, Illumina
Classification: Uncertain significance for Mullegama-Klein-Martinez syndrome. Last evaluated: 2020-03-09. Review status: criteria provided, single submitter. Criteria: ICSLVariantClassificationCriteria RUGD 01 April 2020. Collection method: clinical testing. Allele origin: unknown.
Comment: The STAG2 c.2580_2582delGAG p.(Arg862del) variant is an inframe deletion. To our knowledge, this variant has not been reported in the peer-reviewed literature. This variant is not observed in version 2.1.1 of the Genome Aggregation Database. Based on the limited evidence, the c.2580_2582delGAG p.(Arg862del) variant is classified as a variant of uncertain significance for Mullegama-Klein-Martinez syndrome.